The following is an entry in ClinVar:

NM_145046.5(CALR3):c.217C>T (p.Arg73Ter)

Gene: CALR3 (calreticulin 3; minus strand). Cytogenetic location: 19p13.11.
Variant type: single nucleotide variant.
Coding change: c.217C>T on transcript NM_145046.5 (MANE Select); coding-DNA position 217, C replaced by T.
Protein change: p.Arg73Ter; replaces arginine 73 with a stop codon.
Molecular consequence: nonsense.
Genome position (GRCh38, 1-based): chr19:16,490,547, G>A on the plus strand (C>T on the coding strand, the complement: CALR3 is on the minus strand). VCF-style: chr19-16490547-G-A. GRCh37 (hg19) VCF-style: chr19-16601358-G-A.
Other names: short protein forms R73*.
Identifiers: ClinVar variation 2734983 (VCV002734983.3), dbSNP rs199561391, ClinGen allele CA9278467.

ClinVar aggregate classification (germline): Uncertain significance (1 of 4 stars; one submission).

Conditions:
Hypertrophic cardiomyopathy 19. Also called: Familial hypertrophic cardiomyopathy 19. Identifiers: MedGen CN077603, MONDO:0013476.

gnomAD v4.1: 6 of 1,613,950 alleles (0.00037%); highest among the groups gnomAD compares: South Asian, 0.0044%; no homozygotes.

Submission:

Labcorp Genetics (formerly Invitae), Labcorp
Classification: Uncertain significance for Hypertrophic cardiomyopathy 19. Last evaluated: 2023-07-28. Review status: criteria provided, single submitter. Criteria: Invitae Variant Classification Sherloc (09022015). Collection method: clinical testing. Allele origin: germline.
Comment: This sequence change creates a premature translational stop signal (p.Arg73*) in the CALR3 gene. It is expected to result in an absent or disrupted protein product. However, the current clinical and genetic evidence is not sufficient to establish whether loss-of-function variants in CALR3 cause disease. This variant is present in population databases (rs199561391, gnomAD 0.006%). This variant has not been reported in the literature in individuals affected with CALR3-related conditions. In summary, the available evidence is currently insufficient to determine the role of this variant in disease. Therefore, it has been classified as a Variant of Uncertain Significance.